The following is an entry in ClinVar:

ClinVar aggregate classification (germline): Uncertain significance (1 of 4 stars; one submission).

Submission:

GeneDx
Classification: Uncertain significance. Last evaluated: 2026-02-05. Review status: criteria provided, single submitter. Criteria: GeneDx Variant Classification Process June 2021. Collection method: clinical testing. Allele origin: germline.
Comment: Not observed at significant frequency in large population cohorts (gnomAD); In silico analysis supports that this missense variant has a deleterious effect on protein structure/function; Has not been previously published as pathogenic or benign to our knowledge; Located in one of the three hot-spot regions of the RYR2 gene, where the majority of pathogenic missense variants occur (PMID: 19926015); This variant is associated with the following publications: (PMID: 19926015)

NM_001035.3(RYR2):c.7595C>G (p.Ala2532Gly)

Gene: RYR2 (ryanodine receptor 2; plus strand). Cytogenetic location: 1q43.
Variant type: single nucleotide variant.
Coding change: c.7595C>G on transcript NM_001035.3 (MANE Select); coding-DNA position 7595, C replaced by G.
Protein change: p.Ala2532Gly; replaces alanine 2532 with glycine.
Molecular consequence: missense variant.
Genome position (GRCh38, 1-based): chr1:237,649,959, C>G. VCF-style: chr1-237649959-C-G. GRCh37 (hg19) VCF-style: chr1-237813259-C-G.
Other names: short protein forms A2532G.
Identifiers: ClinVar variation 4975941 (VCV004975941.1).